The following is an entry in ClinVar:

ClinVar aggregate classification (germline): Likely benign (0 of 4 stars; one submission).

Conditions:
NBEA-related disorder. Also called: NBEA-related condition.

Submission:

PreventionGenetics, part of Exact Sciences
Classification: Likely benign for NBEA-related condition. Last evaluated: 2021-12-22. Review status: no assertion criteria provided. Collection method: clinical testing. Allele origin: germline.
Comment: This variant is classified as likely benign based on ACMG/AMP sequence variant interpretation guidelines (Richards et al. 2015 PMID: 25741868, with internal and published modifications).

NM_001385012.1(NBEA):c.195G>C (p.Val65=)

Gene: NBEA (neurobeachin; plus strand). Cytogenetic location: 13q13.3.
Variant type: single nucleotide variant.
Coding change: c.195G>C on transcript NM_001385012.1 (MANE Select); coding-DNA position 195, G replaced by C.
Protein change: p.Val65=; no amino-acid change (valine 65 retained).
Molecular consequence: synonymous variant.
Genome position (GRCh38, 1-based): chr13:34,943,015, G>C. VCF-style: chr13-34943015-G-C. GRCh37 (hg19) VCF-style: chr13-35517152-G-C.
Other names: c.195G>C, p.Val65= (NM_001379245.1, NM_015678.5).
Identifiers: ClinVar variation 3029096 (VCV003029096.2), dbSNP rs2500557830, ClinGen allele CA483425244.